The following is an entry in ClinVar:

ClinVar aggregate classification (germline): Uncertain significance (1 of 4 stars; one submission).

Conditions:
Holoprosencephaly 2 (HPE2). Identifiers: Orphanet 2162, MedGen C1834877, MONDO:0007999, OMIM 157170.

Submission:

Labcorp Genetics (formerly Invitae), Labcorp
Classification: Uncertain significance for Holoprosencephaly 2. Last evaluated: 2025-07-01. Review status: criteria provided, single submitter. Criteria: Invitae Variant Classification Sherloc (09022015). Collection method: clinical testing. Allele origin: germline.
Comment: This sequence change replaces leucine, which is neutral and non-polar, with phenylalanine, which is neutral and non-polar, at codon 152 of the SIX3 protein (p.Leu152Phe). This variant is not present in population databases (gnomAD no frequency). This variant has not been reported in the literature in individuals affected with SIX3-related conditions. Invitae Evidence Modeling of protein sequence and biophysical properties (such as structural, functional, and spatial information, amino acid conservation, physicochemical variation, residue mobility, and thermodynamic stability) indicates that this missense variant is expected to disrupt SIX3 protein function with a positive predictive value of 80%. In summary, the available evidence is currently insufficient to determine the role of this variant in disease. Therefore, it has been classified as a Variant of Uncertain Significance.

NM_005413.4(SIX3):c.454C>T (p.Leu152Phe)

Gene: SIX3 (SIX homeobox 3; plus strand). Cytogenetic location: 2p21.
Variant type: single nucleotide variant.
Coding change: c.454C>T on transcript NM_005413.4 (MANE Select); coding-DNA position 454, C replaced by T.
Protein change: p.Leu152Phe; replaces leucine 152 with phenylalanine.
Molecular consequence: missense variant.
Genome position (GRCh38, 1-based): chr2:44,942,558, C>T. VCF-style: chr2-44942558-C-T. GRCh37 (hg19) VCF-style: chr2-45169697-C-T.
Other names: short protein forms L152F.
Identifiers: ClinVar variation 4744068 (VCV004744068.1).